The following is an entry in ClinVar:

NM_002878.4(RAD51D):c.46A>C (p.Met16Leu)

Genes: RAD51D (RAD51 paralog D; minus strand), RAD51L3-RFFL (RAD51L3-RFFL readthrough; minus strand). Cytogenetic location: 17q12.
Variant type: single nucleotide variant.
Coding change: c.46A>C on transcript NM_002878.4 (MANE Select); coding-DNA position 46, A replaced by C.
Protein change: p.Met16Leu; replaces methionine 16 with leucine.
Molecular consequence: missense variant. On other transcripts: non-coding transcript variant (2).
Genome position (GRCh38, 1-based): chr17:35,119,568, T>G on the plus strand (A>C on the coding strand, the complement: RAD51D is on the minus strand). VCF-style: chr17-35119568-T-G. GRCh37 (hg19) VCF-style: chr17-33446587-T-G.
Other names: c.46A>C, p.Met16Leu (NM_001142571.2, NM_133629.3); short protein forms M16L.
Identifiers: ClinVar variation 2802716 (VCV002802716.3), dbSNP rs2142480504, ClinGen allele CA399092441.

ClinVar aggregate classification (germline): Uncertain significance (1 of 4 stars; one submission).

Conditions:
Breast-ovarian cancer, familial, susceptibility to, 4. Identifiers: Orphanet 145, MedGen C3280345, MONDO:0013669, OMIM 614291.

Submission:

Labcorp Genetics (formerly Invitae), Labcorp
Classification: Uncertain significance for Breast-ovarian cancer, familial, susceptibility to, 4. Last evaluated: 2022-08-16. Review status: criteria provided, single submitter. Criteria: Invitae Variant Classification Sherloc (09022015). Collection method: clinical testing. Allele origin: germline.
Comment: In summary, the available evidence is currently insufficient to determine the role of this variant in disease. Therefore, it has been classified as a Variant of Uncertain Significance. Algorithms developed to predict the effect of missense changes on protein structure and function (SIFT, PolyPhen-2, Align-GVGD) all suggest that this variant is likely to be tolerated. This variant has not been reported in the literature in individuals affected with RAD51D-related conditions. This variant is not present in population databases (gnomAD no frequency). This sequence change replaces methionine, which is neutral and non-polar, with leucine, which is neutral and non-polar, at codon 16 of the RAD51D protein (p.Met16Leu).